The following is an entry in ClinVar:

ClinVar aggregate classification (germline): Likely benign. Review status: criteria provided, multiple submitters, no conflicts (2 of 4 stars). 3 submissions from 3 submitters: Likely benign (3). Last evaluated 2026-03-25.

Conditions:
ABCA4-related disorder. Also called: ABCA4-related disorders; ABCA4-related condition. Identifiers: MedGen CN239167.

gnomAD v4.1: 53 of 1,614,080 alleles (0.0033%); highest among the groups gnomAD compares: East Asian, 0.11%; no homozygotes.

Submissions (3):

PreventionGenetics, part of Exact Sciences
Classification: Likely benign for ABCA4-related condition. Last evaluated: 2026-03-25. Review status: criteria provided, single submitter. Criteria: ACMG Guidelines, 2015. Collection method: clinical testing. Allele origin: germline.
Comment: This variant is classified as likely benign based on ACMG/AMP sequence variant interpretation guidelines (Richards et al. 2015 PMID: 25741868, with internal and published modifications).

Labcorp Genetics (formerly Invitae), Labcorp
Classification: Likely benign. Last evaluated: 2026-01-26. Review status: criteria provided, single submitter. Criteria: Invitae Variant Classification Sherloc (09022015). Collection method: clinical testing. Allele origin: germline.

Blueprint Genetics
Classification: Likely benign. Last evaluated: 2022-12-02. Review status: criteria provided, single submitter. Criteria: ACMG Guidelines, 2015. Collection method: clinical testing. Allele origin: germline.

NM_000350.3(ABCA4):c.3051-15G>A

Gene: ABCA4 (ATP binding cassette subfamily A member 4; minus strand). Cytogenetic location: 1p22.1.
Variant type: single nucleotide variant.
Coding change: c.3051-15G>A on transcript NM_000350.3 (MANE Select); 15 bases into the intron before coding-DNA position 3051, G replaced by A.
Molecular consequence: intron variant.
Genome position (GRCh38, 1-based): chr1:94,043,490, C>T on the plus strand (G>A on the coding strand, the complement: ABCA4 is on the minus strand). VCF-style: chr1-94043490-C-T. GRCh37 (hg19) VCF-style: chr1-94509046-C-T.
Other names: c.3051-15G>A (NM_000350.2).
Identifiers: ClinVar variation 1131041 (VCV001131041.11), dbSNP rs200223777, ClinGen allele CA958056.